The following is an entry in ClinVar:

ClinVar aggregate classification (germline): Pathogenic (1 of 4 stars; one submission).

Conditions:
Pelizaeus-Merzbacher disease. Also called: LEUKODYSTROPHY, HYPOMYELINATING, 1; Pelizaeus-Merzbacher spectrum disorder; Pelizaeus-Merzbacher Disease (PMD); Sudanophilic leukodystrophy; Pelizeaus-Merzbacher spectrum disorder. Identifiers: Orphanet 702, MedGen C0205711, MONDO:0010714, OMIM 312080, HP:0003269.

Submission:

Molecular Diagnostics Lab, Nemours Children's Health, Delaware
Classification: Pathogenic for Pelizaeus-Merzbacher disease. Review status: criteria provided, single submitter. Criteria: ACMG Guidelines, 2015. Collection method: clinical testing. Allele origin: maternal, unknown. Affected: yes and no. Observed: 1 heterozygote, 2 hemizygotes.
Comment: This variant (c.380_392del, p.Arg127Lys*16) results in a frameshift to a premature termination. It has not been observed in population databases (gnomAD). The change has been reported in the literature (PMID 26125040) but no functional studies have been published. It has been observed in two affected male siblings and is carried by their mother.

Literature cited by the submitters: PubMed 26125040.

NM_000533.5(PLP1):c.380_392del (p.Arg127fs)

Genes: PLP1 (proteolipid protein 1; plus strand), RAB9B (RAB9B, member RAS oncogene family; minus strand). Cytogenetic location: Xq22.2.
Variant type: Deletion.
Coding change: c.380_392del on transcript NM_000533.5 (MANE Select); coding-DNA positions 380 to 392, 13 bases deleted (GAGGCCAACATCA).
Protein change: p.Arg127fs; shifts the reading frame from arginine 127.
Molecular consequence: frameshift variant. On other transcripts: intron variant (1).
Genome position (GRCh38, 1-based): chrX:103,786,653-103,786,665, GAGGCCAACATCA deleted; deleting any 13 consecutive bases within chrX:103,786,651-103,786,665 gives the same sequence; the c. name uses the placement nearest the transcript's 3' end. VCF-style (leftmost placement, unchanged base first): chrX-103786650-CCAGAGGCCAACAT-C. GRCh37 (hg19) VCF-style: chrX-103041579-CCAGAGGCCAACAT-C.
Other names: c.380_392del, p.Arg127fs (NM_001128834.3); c.215_227del, p.Arg72fs (NM_001305004.1); c.348+32_348+44del (NM_199478.3); short protein forms R127fs, R72fs.
Identifiers: ClinVar variation 3252098 (VCV003252098.2), dbSNP rs2522307997.